The following is an entry in ClinVar:

ClinVar aggregate classification (germline): Uncertain significance. Review status: criteria provided, multiple submitters, no conflicts (2 of 4 stars). 6 submissions from 6 submitters: Uncertain significance (6). Last evaluated 2025-06-10.

Conditions:
DYNC2H1-related disorder. Also called: DYNC2H1-related disorders; DYNC2H1-related condition. Identifiers: MedGen CN378770.
Inborn genetic diseases. Identifiers: MedGen C0950123, MeSH D030342.
Jeune thoracic dystrophy. Also called: Infantile thoracic dystrophy; Thoracic pelvic phalangeal dystrophy; Jeune's syndrome; Chondroectodermal dysplasia-like syndrome; Jeune syndrome; Short-rib thoracic dysplasia. Identifiers: Orphanet 474, MedGen C0265275, MONDO:0018770.
Asphyxiating thoracic dystrophy 3. Also called: SHORT-RIB THORACIC DYSPLASIA 3/6 WITH POLYDACTYLY, DIGENIC; Saldino-Noonan Syndrome; POLYDACTYLY WITH NEONATAL CHONDRODYSTROPHY, TYPE I; SHORT-RIB THORACIC DYSPLASIA 3 WITH OR WITHOUT POLYDACTYLY; Short rib polydactyly syndrome 2B. Identifiers: Orphanet 474, Orphanet 93269, Orphanet 93270, Orphanet 93271, MedGen C0036069, MONDO:0013127, OMIM 613091.

Allele frequency attached by ClinVar (database versions not stated): ESP Exome Variant Server 0.00009; ExAC 0.00010; gnomAD exomes 0.00012 and 0.00015; gnomAD 0.00013 and 0.00014; TOPMed 0.00013.
gnomAD v4.1: 191 of 1,540,684 alleles (0.012%); highest among the groups gnomAD compares: Admixed American, 0.029%; no homozygotes.

Submissions (6):

PreventionGenetics, part of Exact Sciences
Classification: Uncertain significance for DYNC2H1-related condition. Last evaluated: 2025-06-10. Review status: criteria provided, single submitter. Criteria: ACMG Guidelines, 2015. Collection method: clinical testing. Allele origin: germline.
Comment: The DYNC2H1 c.3128G>A variant is predicted to result in the amino acid substitution p.Arg1043His. To our knowledge, this variant has not been reported in the literature. This variant is reported in 0.030% of alleles in individuals of Latino descent in gnomAD. At this time, the clinical significance of this variant is uncertain due to the absence of conclusive functional and genetic evidence.

Ambry Genetics
Classification: Uncertain significance for Inborn genetic diseases. Last evaluated: 2025-03-27. Review status: criteria provided, single submitter. Criteria: Ambry Variant Classification Scheme 2023. Collection method: clinical testing. Allele origin: germline.

Blueprint Genetics
Classification: Uncertain significance. Last evaluated: 2024-09-18. Review status: criteria provided, single submitter. Criteria: ACMG Guidelines, 2015. Collection method: clinical testing. Allele origin: germline.

Labcorp Genetics (formerly Invitae), Labcorp
Classification: Uncertain significance for Jeune thoracic dystrophy. Last evaluated: 2022-08-23. Review status: criteria provided, single submitter. Criteria: Invitae Variant Classification Sherloc (09022015). Collection method: clinical testing. Allele origin: germline.
Comment: This sequence change replaces arginine, which is basic and polar, with histidine, which is basic and polar, at codon 1043 of the DYNC2H1 protein (p.Arg1043His). This variant is present in population databases (rs372627366, gnomAD 0.03%). This variant has not been reported in the literature in individuals affected with DYNC2H1-related conditions. ClinVar contains an entry for this variant (Variation ID: 877996). Advanced modeling of protein sequence and biophysical properties (such as structural, functional, and spatial information, amino acid conservation, physicochemical variation, residue mobility, and thermodynamic stability) performed at Invitae indicates that this missense variant is not expected to disrupt DYNC2H1 protein function. In summary, the available evidence is currently insufficient to determine the role of this variant in disease. Therefore, it has been classified as a Variant of Uncertain Significance.

Illumina Laboratory Services, Illumina
Classification: Uncertain significance for Asphyxiating thoracic dystrophy 3. Last evaluated: 2018-01-13. Review status: criteria provided, single submitter. Criteria: ICSL Variant Classification Criteria 13 December 2019. Collection method: clinical testing. Allele origin: germline.

Breakthrough Genomics
Classification: Uncertain significance. Review status: criteria provided, single submitter. Criteria: ACMG Guidelines, 2015. Collection method: not provided. Allele origin: germline. Inheritance: Autosomal recessive inheritance. Affected: yes.

NM_001377.3(DYNC2H1):c.3128G>A (p.Arg1043His)

Gene: DYNC2H1 (dynein cytoplasmic 2 heavy chain 1; plus strand). Cytogenetic location: 11q22.3.
Variant type: single nucleotide variant.
Coding change: c.3128G>A on transcript NM_001377.3 (MANE Select); coding-DNA position 3128, G replaced by A.
Protein change: p.Arg1043His; replaces arginine 1043 with histidine.
Molecular consequence: missense variant.
Genome position (GRCh38, 1-based): chr11:103,153,334, G>A. VCF-style: chr11-103153334-G-A. GRCh37 (hg19) VCF-style: chr11-103024063-G-A.
Other names: c.3128G>A, p.Arg1043His (NM_001080463.2); short protein forms R1043H.
Identifiers: ClinVar variation 877996 (VCV000877996.10), dbSNP rs372627366, ClinGen allele CA6253266.